The following is an entry in ClinVar:

NM_001369.3(DNAH5):c.2291C>A (p.Ser764Ter)

Genes: DNAH5-AS1 (DNAH5 antisense RNA 1; plus strand), DNAH5 (dynein axonemal heavy chain 5; minus strand). Cytogenetic location: 5p15.2.
Variant type: single nucleotide variant.
Coding change: c.2291C>A on transcript NM_001369.3 (MANE Select); coding-DNA position 2291, C replaced by A.
Protein change: p.Ser764Ter; replaces serine 764 with a stop codon.
Molecular consequence: nonsense.
Genome position (GRCh38, 1-based): chr5:13,894,790, G>T on the plus strand (C>A on the coding strand, the complement: DNAH5 is on the minus strand). VCF-style: chr5-13894790-G-T. GRCh37 (hg19) VCF-style: chr5-13894899-G-T.
Other names: short protein forms S764*.
Identifiers: ClinVar variation 5012757 (VCV005012757.1).

ClinVar aggregate classification (germline): Pathogenic (1 of 4 stars; one submission).

Conditions:
Primary ciliary dyskinesia 3. Identifiers: Orphanet 244, MedGen C1837618, MONDO:0012085, OMIM 608644.

Submission:

Myriad Genetics, Inc.
Classification: Pathogenic for Primary ciliary dyskinesia 3. Last evaluated: 2024-05-14. Review status: criteria provided, single submitter. Criteria: Myriad Autosomal Dominant, Autosomal Recessive and X-Linked Classification Criteria (2023). Collection method: clinical testing. Allele origin: unknown.
Comment: NM_001369.2(DNAH5):c.2291C>A(S764*) is expected to be pathogenic in the context of primary ciliary dyskinesia, DNAH5-related. This variant is predicted to lead to an abnormal or absent protein product due to the creation of a premature termination codon in DNAH5, a gene where loss-of-function variants are known to be pathogenic. Please note: this variant was assessed in the context of healthy population screening.